The following is an entry in ClinVar:

ClinVar aggregate classification (germline): Uncertain significance (1 of 4 stars; one submission).

Submission:

GeneDx
Classification: Uncertain significance. Last evaluated: 2024-04-01. Review status: criteria provided, single submitter. Criteria: GeneDx Variant Classification Process June 2021. Collection method: clinical testing. Allele origin: germline. Affected: yes.
Comment: Not observed at significant frequency in large population cohorts (gnomAD); In silico analysis supports that this missense variant has a deleterious effect on protein structure/function; Has not been previously published as pathogenic or benign to our knowledge

NM_022841.7(RFX7):c.2933A>G (p.Glu978Gly)

Gene: RFX7 (regulatory factor X7; minus strand). Cytogenetic location: 15q21.3.
Variant type: single nucleotide variant.
Coding change: c.2933A>G on transcript NM_022841.7 (MANE Select); coding-DNA position 2933, A replaced by G.
Protein change: p.Glu978Gly; replaces glutamic acid 978 with glycine.
Molecular consequence: missense variant.
Genome position (GRCh38, 1-based): chr15:56,094,795, T>C on the plus strand (A>G on the coding strand, the complement: RFX7 is on the minus strand). VCF-style: chr15-56094795-T-C. GRCh37 (hg19) VCF-style: chr15-56386993-T-C.
Other names: c.2642A>G, p.Glu881Gly (NM_001368073.2, NM_001368074.1, NM_001370554.1); c.2933A>G, p.Glu978Gly (NM_001370561.1); short protein forms E881G, E978G.
Identifiers: ClinVar variation 3361964 (VCV003361964.1).